The following is an entry in ClinVar:

NM_006231.4(POLE):c.6693C>T (p.Ser2231=)

Gene: POLE (DNA polymerase epsilon, catalytic subunit; minus strand). Cytogenetic location: 12q24.33.
Variant type: single nucleotide variant.
Coding change: c.6693C>T on transcript NM_006231.4 (MANE Select); coding-DNA position 6693, C replaced by T.
Protein change: p.Ser2231=; no amino-acid change (serine 2231 retained).
Molecular consequence: synonymous variant.
Genome position (GRCh38, 1-based): chr12:132,624,959, G>A on the plus strand (C>T on the coding strand, the complement: POLE is on the minus strand). VCF-style: chr12-132624959-G-A. GRCh37 (hg19) VCF-style: chr12-133201545-G-A.
Identifiers: ClinVar variation 484482 (VCV000484482.14), dbSNP rs1483311551, ClinGen allele CA482848421.

ClinVar aggregate classification (germline): Likely benign. Review status: criteria provided, multiple submitters, no conflicts (2 of 4 stars). 3 submissions from 3 submitters: Likely benign (3). Last evaluated 2025-07-14.

Conditions:
Hereditary cancer-predisposing syndrome. Also called: Neoplastic Syndromes, Hereditary; Tumor predisposition; Hereditary Cancer Syndrome; Hereditary neoplastic syndrome. Identifiers: Orphanet 140162, MedGen C0027672, MeSH D009386, MONDO:0015356.

Allele frequency attached by ClinVar (database versions not stated): gnomAD exomes below 0.00001 and 0.00001.
gnomAD v4.1: 3 of 1,614,060 alleles (0.00019%); highest among the groups gnomAD compares: Non-Finnish European, 0.00025%; no homozygotes.

Submissions (3):

Labcorp Genetics (formerly Invitae), Labcorp
Classification: Likely benign. Last evaluated: 2025-07-14. Review status: criteria provided, single submitter. Criteria: Invitae Variant Classification Sherloc (09022015). Collection method: clinical testing. Allele origin: germline.

GeneDx
Classification: Likely benign. Last evaluated: 2018-01-11. Review status: criteria provided, single submitter. Criteria: GeneDx Variant Classification (06012015). Collection method: clinical testing. Allele origin: germline. Affected: yes.
Comment: This variant is considered likely benign or benign based on one or more of the following criteria: it is a conservative change, it occurs at a poorly conserved position in the protein, it is predicted to be benign by multiple in silico algorithms, and/or has population frequency not consistent with disease.

Ambry Genetics
Classification: Likely benign for Hereditary cancer-predisposing syndrome. Last evaluated: 2017-08-25. Review status: criteria provided, single submitter. Criteria: Ambry Variant Classification Scheme 2023. Collection method: clinical testing. Allele origin: germline.